The following continues an entry in ClinVar:

NM_000492.4(CFTR):c.1585-1G>A

ClinVar aggregate classification (germline): Pathogenic. Pathogenic (1).

Submissions 12 to 28 of 36:

Ambry Genetics
Classification: Pathogenic for Cystic fibrosis. Last evaluated: 2024-07-11. Review status: criteria provided, single submitter. Criteria: Ambry Variant Classification Scheme 2023. Collection method: clinical testing. Allele origin: germline. Not counted in ClinVar's aggregate classification.
Comment: The c.1585-1G>A intronic pathogenic mutation (also known as 1717-1G>A) results from a G to A substitution one nucleotide upstream from coding exon 12 of the CFTR gene. This pathogenic mutation is associated with elevated sweat chloride levels, pancreatic insufficiency, and higher rate of Pseudomonas infection (Sosnay PR et al. Nat. Genet., 2013 Oct;45:1160-7). A functional in vitro study reported an absence of normally spliced RNA in expression minigenes transfected into HEK293 cells (Sharma N et al. Hum. Mutat., 2014 Oct;35:1249-59). In addition to the clinical data presented in the literature, alterations that disrupt the canonical splice site are expected to cause aberrant splicing, resulting in an abnormal protein or a transcript that is subject to nonsense-mediated mRNA decay. As such, this alteration is classified as a disease-causing mutation.

Mayo Clinic Laboratories, Mayo Clinic
Classification: Pathogenic. Last evaluated: 2024-05-24. Review status: criteria provided, single submitter. Criteria: ACMG Guidelines, 2015. Collection method: clinical testing. Allele origin: germline. Not counted in ClinVar's aggregate classification.

Quest Diagnostics Nichols Institute San Juan Capistrano
Classification: Pathogenic. Last evaluated: 2024-05-22. Review status: criteria provided, single submitter. Criteria: Quest Diagnostics criteria. Collection method: clinical testing. Allele origin: unknown. Not counted in ClinVar's aggregate classification.
Comment: The CFTR c.1585-1G>A (also known as 1717-1G>A) variant disrupts a canonical splice-acceptor site and interferes with normal CFTR mRNA splicing. This variant is associated with cystic fibrosis (CF) (PMIDs: 29261177 (2018), 31036917 (2019), and 34782259 (2021)), and has been reported along with other pathogenic CFTR variants in individuals with classic CF (PMID: 7689009 (1993)), pancreatic insufficiency (PMIDs: 2236053 (1990), 2210769 (1990), 1757966 (1991), and 23974870 (2013)) and in at least one individual with chronic obstructive pulmonary disease (PMID: 34996830 (2022)). Experimental studies have also shown that this variant results in exon 12 skipping and therefore disrupts protein production (PMIDs: 7689009 (1993), 23974870 (2013) and 25066652 (2014)). The frequency of this variant in the general population, 0.0002 (10/50648 chromosomes (Genome Aggregation Database)), is consistent with pathogenicity. Based on the available information, this variant is classified as pathogenic.

Baylor Genetics
Classification: Pathogenic for Bronchiectasis with or without elevated sweat chloride 1. Last evaluated: 2024-03-20. Review status: criteria provided, single submitter. Criteria: ACMG Guidelines, 2015. Collection method: clinical testing. Allele origin: unknown. Not counted in ClinVar's aggregate classification.

Fulgent Genetics
Classification: Pathogenic for Hereditary pancreatitis; Bronchiectasis with or without elevated sweat chloride 1; Cystic fibrosis; Congenital bilateral aplasia of vas deferens from CFTR mutation. Last evaluated: 2024-02-26. Review status: criteria provided, single submitter. Criteria: ACMG Guidelines, 2015. Collection method: clinical testing. Allele origin: germline. Not counted in ClinVar's aggregate classification.

ARUP Laboratories, Molecular Genetics and Genomics, ARUP Laboratories
Classification: Pathogenic. Last evaluated: 2023-11-10. Review status: criteria provided, single submitter. Criteria: ARUP Molecular Germline Variant Investigation Process 2024. Collection method: clinical testing. Allele origin: germline. Not counted in ClinVar's aggregate classification.
Comment: The CFTR c.1585-1G>A variant (rs76713772), also known as 1717-1G>A, has been reported in patients with the pancreatic insufficient form of cystic fibrosis (Guillermit 1990, Kerem 1990, Ivady 2011, Sosnay 2013). This variant is reported in ClinVar (Variation ID: 7112), is found in the non-Finnish European population with an allele frequency of 0.015% (19/128,796 alleles) in the Genome Aggregation Database. This variant disrupts the canonical splice acceptor site of intron 11, which is likely to negatively impact gene function. Based on available information, this variant is considered to be pathogenic. References: Guillermit H et al. A 3' splice site consensus sequence mutation in the cystic fibrosis gene. Hum Genet. 1990 85(4):450-3. PMID: 2210769 Ivady G et al. Distribution of CFTR mutations in Eastern Hungarians: relevance to genetic testing and to the introduction of newborn screening for cystic fibrosis. J Cyst Fibros. 2011 10(3):217-20. PMID: 21296036 Kerem B et al. Identification of mutations in regions corresponding to the two putative nucleotide (ATP)-binding folds of the cystic fibrosis gene. Proc Natl Acad Sci U S A. 1990 87(21):8447-51. PMID: 2236053 Sosnay PR et al. Defining the disease liability of variants in the cystic fibrosis transmembrane conductance regulator gene. Nat Genet. 2013 45(10):1160-7. PMID: 23974870

Institute of Human Genetics, University of Leipzig Medical Center
Classification: Pathogenic for Cystic fibrosis. Last evaluated: 2022-09-05. Review status: criteria provided, single submitter. Criteria: ACMG Guidelines, 2015. Collection method: curation. Allele origin: unknown. Affected: yes. Observed: 1 variant allele. Not counted in ClinVar's aggregate classification.
Comment: The variant was classified in the context of a project re-classifying variants in the German Cystic Fibrosis Registry (Muko.e.V.). Criteria applied: PVS1, PS3_SUP, PM2_SUP, PM3_VSTR

Revvity Omics, Revvity
Classification: Pathogenic. Last evaluated: 2022-08-26. Review status: criteria provided, single submitter. Criteria: ACMG Guidelines, 2015. Collection method: clinical testing. Allele origin: germline. Not counted in ClinVar's aggregate classification.

Johns Hopkins Genomics, Johns Hopkins University
Classification: Pathogenic for Cystic fibrosis. Last evaluated: 2019-12-11. Review status: criteria provided, single submitter. Criteria: ACMG Guidelines, 2015. Collection method: clinical testing. Allele origin: germline. Not counted in ClinVar's aggregate classification.
Comment: Disease-causing CFTR mutation. See CFTR2 for phenotype information.

Myriad Genetics, Inc.
Classification: Pathogenic for Cystic fibrosis. Last evaluated: 2019-11-12. Review status: criteria provided, single submitter. Criteria: Myriad Women's Health Autosomal Recessive and X-Linked Classification Criteria (2019). Collection method: clinical testing. Allele origin: unknown. Not counted in ClinVar's aggregate classification.
Comment: NM_000492.3(CFTR):c.1585-1G>A(aka 1717-1G>A) is classified as pathogenic in the context of cystic fibrosis and is associated with the classic form of disease. Sources cited for classification include the following: PMID 23974870. Classification of NM_000492.3(CFTR):c.1585-1G>A(aka 1717-1G>A) is based on the following criteria: The variant is located at a canonical splice site, is expected to disrupt gene function and is reported in individuals with the relevant phenotype. Please note: this variant was assessed in the context of healthy population screening.

Mendelics
Classification: Pathogenic for Cystic fibrosis. Last evaluated: 2018-11-05. Review status: criteria provided, single submitter. Criteria: Mendelics Assertion Criteria 2017. Collection method: clinical testing. Allele origin: unknown. Affected: yes. Not counted in ClinVar's aggregate classification.

GeneDx
Classification: Pathogenic. Last evaluated: 2018-10-26. Review status: criteria provided, single submitter. Criteria: GeneDx Variant Classification (06012015). Collection method: clinical testing. Allele origin: germline. Affected: yes. Not counted in ClinVar's aggregate classification.
Comment: The c.1585-1G>A pathogenic variant in the CFTR gene is one of the common pathogenic variants associated with cystic fibrosis (Kerem et al., 1990; Hull et al., 1993; Ooi et al., 2012). This splice site variant destroys the canonical splice acceptor site in intron 11. Functional studies show this variant results in skipping of exon 12 with a frameshift that results in a premature termination codon, and the mRNA is not able to generate a stable protein product (Hull et al., 1993; Sharma et al., 2014). Although not present in the homozygous state, the NHLBI Exome Sequencing Project reports that c.1585-1G>A was observed in 12/8600 alleles (0.14%) from individuals of European American background, indicating it may be a rare variant in this population. We interpret c.1585-1G>A as a pathogenic variant.

Illumina Laboratory Services, Illumina
Classification: Pathogenic for CFTR-Related Disorders. Last evaluated: 2018-08-24. Review status: criteria provided, single submitter. Criteria: ICSL Variant Classification Criteria 09 May 2019. Collection method: clinical testing. Allele origin: germline. Not counted in ClinVar's aggregate classification.
Comment: The CFTR c.1585-1G>A variant, also known as c.1717-1G>A, occurs in a canonical splice site (acceptor) and is therefore predicted to disrupt or distort the normal gene product. The c.1585-1G>A variant is listed by the ACMG as part of a panel recommended for routine diagnostic and carrier testing for cystic fibrosis (Watson et al. 2004). The c.1585-1G>A variant is one of the ten most common CFTR variants in persons of northern European descent, accounting for 0.6% of disease and is associated with a classic cystic fibrosis phenotype (Moskowitz et al. 2001). The variant is found in 635/79392 disease-associated alleles in individuals from North America and Europe (Sosnay et al. (2013). Control data are unavailable for this variant, which is reported at a frequency of 0.001395 in the European American cohort of the Exome Sequencing Project. Based on the collective evidence the c.1585-1G>A variant classified as pathogenic for cystic fibrosis. This variant was observed by ICSL as part of a predisposition screen in an ostensibly healthy population.

Eurofins Ntd Llc (ga)
Classification: Pathogenic. Last evaluated: 2018-03-28. Review status: criteria provided, single submitter. Criteria: EGL ClinVar v180209 classification definitions. Collection method: clinical testing. Allele origin: germline. Observed: 5 variant alleles, 5 heterozygotes. Not counted in ClinVar's aggregate classification.

CFTR-France
Classification: Pathogenic for cystic fibrosis. Last evaluated: 2018-01-29. Review status: criteria provided, single submitter. Criteria: Claustres M et al. (Hum Mutat 2017). Collection method: curation. Allele origin: germline. Affected: yes. Not counted in ClinVar's aggregate classification.

Center for Pediatric Genomic Medicine, Children's Mercy Hospital and Clinics
Classification: Pathogenic. Last evaluated: 2015-11-24. Review status: criteria provided, single submitter. Criteria: ACMG Guidelines, 2015. Collection method: clinical testing. Allele origin: germline. Not counted in ClinVar's aggregate classification.

Baylor Genetics
Classification: Pathogenic for Congenital bilateral aplasia of vas deferens from CFTR mutation; Cystic fibrosis. Review status: criteria provided, single submitter. Criteria: ACMG Guidelines, 2015. Collection method: clinical testing. Allele origin: germline. Not counted in ClinVar's aggregate classification.